The following is an entry in ClinVar:

NM_002474.3(MYH11):c.4801T>G (p.Tyr1601Asp)

Genes: MYH11 (myosin heavy chain 11; minus strand), NDE1 (nudE neurodevelopment protein 1; plus strand). Cytogenetic location: 16p13.11.
Variant type: single nucleotide variant.
Coding change: c.4801T>G on transcript NM_002474.3 (MANE Select); coding-DNA position 4801, T replaced by G.
Protein change: p.Tyr1601Asp; replaces tyrosine 1601 with aspartic acid.
Molecular consequence: missense variant. On other transcripts: intron variant (2).
Genome position (GRCh38, 1-based): chr16:15,720,303, A>C on the plus strand (T>G on the coding strand, the complement: MYH11 is on the minus strand). VCF-style: chr16-15720303-A-C. GRCh37 (hg19) VCF-style: chr16-15814160-A-C.
Other names: c.4822T>G, p.Tyr1608Asp (NM_001040113.2, NM_001040114.2); c.4801T>G, p.Tyr1601Asp (NM_022844.3); c.948-3888A>C (NM_001143979.2, NM_017668.3); short protein forms Y1608D, Y1601D.
Identifiers: ClinVar variation 1743207 (VCV001743207.5), dbSNP rs2506114247, ClinGen allele CA394852824.
Genomic context (GRCh38, chr16:15,720,303, plus strand): 5'-TCTTCTTTGCTGCAGCTGCCAGGGCACGTTGCTTTCGCTCGTCTTCCAGTTCCGTCTCAT[A>C]CTCGTGAAGCTGGGCGAGGAATAGAGATGTGTGCTGCCCCACTTGCCCCTGGGAGGTCCT-3'
Protein context (NP_002465.1, residues 1591-1611): RRQLQRQLHE[Tyr1601Asp]ETELEDERKQ

ClinVar aggregate classification (germline): Uncertain significance. Review status: criteria provided, multiple submitters, no conflicts (2 of 4 stars). 3 submissions from 3 submitters: Uncertain significance (3). Last evaluated 2024-03-06.

Conditions:
Familial thoracic aortic aneurysm and aortic dissection (TAAD). Also called: Thoracic aortic aneurysms and dissections. Identifiers: Orphanet 91387, MedGen C4707243, MONDO:0019625.

Allele frequency attached by ClinVar (database versions not stated): gnomAD exomes below 0.00001.
gnomAD v4.1: 1 of 1,613,764 alleles (0.000062%); highest among the groups gnomAD compares: Non-Finnish European, 0.000085%; no homozygotes.

Submissions (3):

All of Us Research Program, National Institutes of Health
Classification: Uncertain significance for Familial thoracic aortic aneurysm and aortic dissection. Last evaluated: 2024-03-06. Review status: criteria provided, single submitter. Criteria: ACMG Guidelines, 2015. Collection method: clinical testing. Allele origin: germline. Inheritance: Autosomal dominant inheritance. Observed: 2 variant alleles, 2 heterozygotes.
Comment: This missense variant replaces tyrosine with aspartic acid at codon 1608 of the MYH11 protein. Computational prediction suggests that this variant may not impact protein structure and function (internally defined REVEL score threshold <= 0.5, PMID: 27666373). To our knowledge, functional studies have not been reported for this variant. This variant has not been reported in individuals affected with MYH11-related disorders in the literature. This variant has not been identified in the general population by the Genome Aggregation Database (gnomAD). The available evidence is insufficient to determine the role of this variant in disease conclusively. Therefore, this variant is classified as a Variant of Uncertain Significance.

This study involves interpretation of variants in research participants for the purpose of population health screening. Participant phenotype was not available at the time of variant classification. Additional details can be found in publication PMID: 35346344, PMCID: PMC8962531

Color Diagnostics, LLC DBA Color Health
Classification: Uncertain significance for Familial thoracic aortic aneurysm and aortic dissection. Last evaluated: 2023-08-02. Review status: criteria provided, single submitter. Criteria: ACMG Guidelines, 2015. Collection method: clinical testing. Allele origin: germline.
Comment: This missense variant replaces tyrosine with aspartic acid at codon 1608 of the MYH11 protein. Computational prediction suggests that this variant may not impact protein structure and function (internally defined REVEL score threshold <= 0.5, PMID: 27666373). To our knowledge, functional studies have not been reported for this variant. This variant has not been reported in individuals affected with MYH11-related disorders in the literature. This variant has not been identified in the general population by the Genome Aggregation Database (gnomAD). The available evidence is insufficient to determine the role of this variant in disease conclusively. Therefore, this variant is classified as a Variant of Uncertain Significance.

Ambry Genetics
Classification: Uncertain significance for Familial thoracic aortic aneurysm and aortic dissection. Last evaluated: 2020-03-30. Review status: criteria provided, single submitter. Criteria: Ambry Variant Classification Scheme 2023. Collection method: clinical testing. Allele origin: germline.
Comment: The p.Y1601D variant (also known as c.4801T>G), located in coding exon 33 of the MYH11 gene, results from a T to G substitution at nucleotide position 4801. The tyrosine at codon 1601 is replaced by aspartic acid, an amino acid with highly dissimilar properties. This amino acid position is not well conserved in available vertebrate species. In addition, this alteration is predicted to be tolerated by in silico analysis. Since supporting evidence is limited at this time, the clinical significance of this alteration remains unclear.